The following is an entry in ClinVar:

ClinVar aggregate classification (germline): Likely benign. Review status: criteria provided, multiple submitters, no conflicts (2 of 4 stars). 3 submissions from 3 submitters: Likely benign (3). Last evaluated 2024-09-09.

Conditions:
Hereditary pulmonary alveolar proteinosis. Also called: Pulmonary surfactant metabolism dysfunction. Identifiers: Orphanet 264675, MedGen C3711368, MONDO:0012580.

Allele frequency attached by ClinVar (database versions not stated): ExAC 0.00002; TOPMed 0.00007; gnomAD 0.00009.
gnomAD v4.1: 29 of 1,613,690 alleles (0.0018%); highest among the groups gnomAD compares: African/African-American, 0.0093%; no homozygotes.

Submissions (3):

Ambry Genetics
Classification: Likely benign for Hereditary pulmonary alveolar proteinosis. Last evaluated: 2024-09-09. Review status: criteria provided, single submitter. Criteria: Ambry Variant Classification Scheme 2023. Collection method: clinical testing. Allele origin: germline.

Labcorp Genetics (formerly Invitae), Labcorp
Classification: Likely benign. Last evaluated: 2024-03-01. Review status: criteria provided, single submitter. Criteria: Invitae Variant Classification Sherloc (09022015). Collection method: clinical testing. Allele origin: germline.

GeneDx
Classification: Likely benign. Last evaluated: 2019-05-29. Review status: criteria provided, single submitter. Criteria: GeneDx Variant Classification Process June 2021. Collection method: clinical testing. Allele origin: germline. Affected: yes.
Comment: See Variant Classification Assertion Criteria.

NM_001089.3(ABCA3):c.1710C>T (p.Ala570=)

Gene: ABCA3 (ATP binding cassette subfamily A member 3; minus strand). Cytogenetic location: 16p13.3.
Variant type: single nucleotide variant.
Coding change: c.1710C>T on transcript NM_001089.3 (MANE Select); coding-DNA position 1710, C replaced by T.
Protein change: p.Ala570=; no amino-acid change (alanine 570 retained).
Molecular consequence: synonymous variant.
Genome position (GRCh38, 1-based): chr16:2,299,434, G>A on the plus strand (C>T on the coding strand, the complement: ABCA3 is on the minus strand). VCF-style: chr16-2299434-G-A. GRCh37 (hg19) VCF-style: chr16-2349435-G-A.
Other names: c.1710C>T (NM_001089.2).
Identifiers: ClinVar variation 3020287 (VCV003020287.5), dbSNP rs779122152, ClinGen allele CA7841133.